The following is an entry in ClinVar:

ClinVar aggregate classification (germline): Pathogenic (1 of 4 stars; one submission).

Conditions:
Duchenne muscular dystrophy (DMD). Also called: Duchenne Muscular Dystrophy (DMD); MUSCULAR DYSTROPHY, PSEUDOHYPERTROPHIC PROGRESSIVE, DUCHENNE TYPE. Identifiers: Orphanet 98896, MedGen C0013264, MONDO:0010679, OMIM 310200.

Submission:

Labcorp Genetics (formerly Invitae), Labcorp
Classification: Pathogenic for Duchenne muscular dystrophy. Last evaluated: 2022-09-29. Review status: criteria provided, single submitter. Criteria: Invitae Variant Classification Sherloc (09022015). Collection method: clinical testing. Allele origin: germline.
Comment: This variant is a gross deletion of the genomic region encompassing exon(s) 46-52 of the DMD gene. This deletion is out-of-frame, and is expected to create a premature termination codon and result in an absent or disrupted protein product. Loss-of-function variants in DMD are known to be pathogenic (PMID: 16770791, 25007885). A similar copy number variant has been observed in individual(s) with Duchenne muscular dystrophy (PMID: 9007319, 12754415). In at least one individual the variant was observed to be de novo. For these reasons, this variant has been classified as Pathogenic.

Literature cited by the submitters: PubMed 16770791; PubMed 25007885; PubMed 9007319; PubMed 12754415.

NC_000023.11:g.(?_31729621)_(31932237_?)del

Gene: DMD (dystrophin; minus strand). Cytogenetic location: Xp21.1.
Variant type: Deletion.
Identifiers: ClinVar variation 832182 (VCV000832182.2).